The following is an entry in ClinVar:

NC_000001.10:g.(?_46654904)_(46660083_?)dup

Gene: POMGNT1 (protein O-linked mannose N-acetylglucosaminyltransferase 1 (beta 1,2-); minus strand). Cytogenetic location: 1p34.1.
Variant type: Duplication.
Identifiers: ClinVar variation 1017310 (VCV001017310.3).

ClinVar aggregate classification (germline): Uncertain significance (1 of 4 stars; one submission).

Conditions:
Autosomal recessive limb-girdle muscular dystrophy type 2O. Also called: Limb-Girdle Muscular Dystrophy Type 3C; MUSCULAR DYSTROPHY-DYSTROGLYCANOPATHY (LIMB-GIRDLE), TYPE C, 3; MUSCULAR DYSTROPHY-DYSTROGLYCANOPATHY, LIMB-GIRDLE, POMGNT1-RELATED. Identifiers: Orphanet 206564, MedGen C3150417, MONDO:0013161, OMIM 613157.
Muscular dystrophy-dystroglycanopathy (congenital with impaired intellectual development), type B, 3. Also called: MUSCULAR DYSTROPHY, CONGENITAL, POMGNT1-RELATED; Muscular dystrophy-dystroglycanopathy (congenital with intellectual disability), type B3. Identifiers: MedGen C3150412, MONDO:0013155, OMIM 613151.

Submission:

Labcorp Genetics (formerly Invitae), Labcorp
Classification: Uncertain significance for Autosomal recessive limb-girdle muscular dystrophy type 2O; Muscular dystrophy-dystroglycanopathy (congenital with impaired intellectual development), type B, 3. Last evaluated: 2022-07-26. Review status: criteria provided, single submitter. Criteria: Invitae Variant Classification Sherloc (09022015). Collection method: clinical testing. Allele origin: germline.
Comment: This variant results in a copy number gain of the genomic region encompassing exon(s) 9-22 of the POMGNT1 gene. This region includes the termination codon of the gene. This copy number gain extends beyond the assayed region for this gene and therefore may encompass additional genes. As the precise location of this event is unknown, it may be in tandem or it may be located elsewhere in the genome. This variant has not been reported in the literature in individuals affected with POMGNT1-related conditions. In summary, the available evidence is currently insufficient to determine the role of this variant in disease. Therefore, it has been classified as a Variant of Uncertain Significance.